The following is an entry in ClinVar:

ClinVar aggregate classification (germline): Uncertain significance (1 of 4 stars; one submission).

gnomAD v4.1: 3 of 1,613,858 alleles (0.00019%); highest among the groups gnomAD compares: Non-Finnish European, 0.000085%; no homozygotes.

Submission:

GeneDx
Classification: Uncertain significance. Last evaluated: 2024-04-24. Review status: criteria provided, single submitter. Criteria: GeneDx Variant Classification Process June 2021. Collection method: clinical testing. Allele origin: germline. Affected: yes.
Comment: Not observed at significant frequency in large population cohorts (gnomAD); Missense variant in a gene in which most reported pathogenic variants are truncating/loss of function; Has not been previously published as pathogenic or benign to our knowledge

NM_001267550.2(TTN):c.84787A>G (p.Asn28263Asp)

Genes: TTN (titin; minus strand), TTN-AS1 (TTN antisense RNA 1; plus strand). Cytogenetic location: 2q31.2.
Variant type: single nucleotide variant.
Coding change: c.84787A>G on transcript NM_001267550.2 (MANE Select); coding-DNA position 84787, A replaced by G.
Protein change: p.Asn28263Asp; replaces asparagine 28263 with aspartic acid.
Molecular consequence: missense variant.
Genome position (GRCh38, 1-based): chr2:178,561,345, T>C on the plus strand (A>G on the coding strand, the complement: TTN is on the minus strand). VCF-style: chr2-178561345-T-C. GRCh37 (hg19) VCF-style: chr2-179426072-T-C.
Other names: c.79864A>G, p.Asn26622Asp (NM_001256850.1); c.57592A>G, p.Asn19198Asp (NM_003319.4); c.77083A>G, p.Asn25695Asp (NM_133378.4); c.57967A>G, p.Asn19323Asp (NM_133432.3); c.58168A>G, p.Asn19390Asp (NM_133437.4); short protein forms N19198D, N19323D, N19390D, N25695D, N26622D, N28263D.
Identifiers: ClinVar variation 3373004 (VCV003373004.1).
Genomic context (GRCh38, chr2:178,561,345, plus strand): 5'-TAGCTCCACCATCATAATGTGGTTTAGACCATTTAAGTGACACTGATTTTCTTGTGATAT[T>C]TGTGACTTCAGGTTGTCCAGGAGGGTCACAAGGATCTCTTGCAGGGACTGGTTCACAAGA-3'
Protein context (NP_001254479.2, residues 28253-28273): CDPPGQPEVT[Asn28263Asp]ITRKSVSLKW